The following is an entry in ClinVar:

ClinVar aggregate classification (germline): Uncertain significance (1 of 4 stars; one submission).

Allele frequency attached by ClinVar (database versions not stated): gnomAD 0.00001; gnomAD exomes 0.00001; TOPMed 0.00001; ExAC 0.00002.

Submission:

Labcorp Genetics (formerly Invitae), Labcorp
Classification: Uncertain significance. Last evaluated: 2025-01-06. Review status: criteria provided, single submitter. Criteria: Invitae Variant Classification Sherloc (09022015). Collection method: clinical testing. Allele origin: germline.
Comment: This sequence change replaces valine, which is neutral and non-polar, with methionine, which is neutral and non-polar, at codon 146 of the GUCA1B protein (p.Val146Met). The frequency data for this variant in the population databases is considered unreliable, as metrics indicate poor data quality at this position in the gnomAD database. This variant has not been reported in the literature in individuals affected with GUCA1B-related conditions. ClinVar contains an entry for this variant (Variation ID: 1025894). An algorithm developed to predict the effect of missense changes on protein structure and function (PolyPhen-2) suggests that this variant is likely to be disruptive. In summary, the available evidence is currently insufficient to determine the role of this variant in disease. Therefore, it has been classified as a Variant of Uncertain Significance.

NM_002098.6(GUCA1B):c.436G>A (p.Val146Met)

Gene: GUCA1B (guanylate cyclase activator 1B; minus strand). Cytogenetic location: 6p21.1.
Variant type: single nucleotide variant.
Coding change: c.436G>A on transcript NM_002098.6 (MANE Select); coding-DNA position 436, G replaced by A.
Protein change: p.Val146Met; replaces valine 146 with methionine.
Molecular consequence: missense variant.
Genome position (GRCh38, 1-based): chr6:42,185,719, C>T on the plus strand (G>A on the coding strand, the complement: GUCA1B is on the minus strand). VCF-style: chr6-42185719-C-T. GRCh37 (hg19) VCF-style: chr6-42153457-C-T.
Other names: short protein forms V146M.
Identifiers: ClinVar variation 1025894 (VCV001025894.6), dbSNP rs748933350, ClinGen allele CA3805555.